The following is an entry in ClinVar:

ClinVar aggregate classification (germline): Uncertain significance. Review status: criteria provided, single submitter (1 of 4 stars). 2 submissions from 2 submitters: Uncertain significance (1). 1 of the submissions does not count toward it. Last evaluated 2022-08-23.

Conditions:
Hereditary insensitivity to pain with anhidrosis (CIPA). Also called: INSENSITIVITY TO PAIN, CONGENITAL, WITH ANHIDROSIS; FAMILIAL DYSAUTONOMIA, TYPE II; NEUROPATHY, CONGENITAL SENSORY, WITH ANHIDROSIS; HSAN Type IV; hereditary sensory and autonomic neuropathy type 4; NTRK1 Congenital Insensitivity to Pain with Anhidrosis. Identifiers: Orphanet 642, MedGen C0020074, MONDO:0009746, OMIM 256800.

Allele frequency attached by ClinVar (database versions not stated): ExAC below 0.00001; gnomAD exomes below 0.00001; TOPMed 0.00001; gnomAD 0.00002.
gnomAD v4.1: 5 of 1,610,170 alleles (0.00031%); highest among the groups gnomAD compares: Non-Finnish European, 0.00042%; no homozygotes.

Submissions (2):

Labcorp Genetics (formerly Invitae), Labcorp
Classification: Uncertain significance for Hereditary insensitivity to pain with anhidrosis. Last evaluated: 2022-08-23. Review status: criteria provided, single submitter. Criteria: Invitae Variant Classification Sherloc (09022015). Collection method: clinical testing. Allele origin: germline.
Comment: This sequence change replaces proline, which is neutral and non-polar, with serine, which is neutral and polar, at codon 782 of the NTRK1 protein (p.Pro782Ser). The frequency data for this variant in the population databases is considered unreliable, as metrics indicate poor data quality at this position in the gnomAD database. This variant has not been reported in the literature in individuals affected with NTRK1-related conditions. ClinVar contains an entry for this variant (Variation ID: 566985). Advanced modeling of protein sequence and biophysical properties (such as structural, functional, and spatial information, amino acid conservation, physicochemical variation, residue mobility, and thermodynamic stability) performed at Invitae indicates that this missense variant is not expected to disrupt NTRK1 protein function. In summary, the available evidence is currently insufficient to determine the role of this variant in disease. Therefore, it has been classified as a Variant of Uncertain Significance.

Natera, Inc.
Classification: Uncertain significance for Hereditary insensitivity to pain with anhidrosis. Last evaluated: 2020-04-18. Review status: no assertion criteria provided. Collection method: clinical testing. Allele origin: germline. Not counted in ClinVar's aggregate classification.

NM_002529.4(NTRK1):c.2362C>T (p.Pro788Ser)

Gene: NTRK1 (neurotrophic receptor tyrosine kinase 1; plus strand). Cytogenetic location: 1q23.1.
Variant type: single nucleotide variant.
Coding change: c.2362C>T on transcript NM_002529.4 (MANE Select); coding-DNA position 2362, C replaced by T.
Protein change: p.Pro788Ser; replaces proline 788 with serine.
Molecular consequence: missense variant.
Genome position (GRCh38, 1-based): chr1:156,881,613, C>T. VCF-style: chr1-156881613-C-T. GRCh37 (hg19) VCF-style: chr1-156851405-C-T.
Other names: c.2254C>T, p.Pro752Ser (NM_001007792.1); c.2344C>T, p.Pro782Ser (NM_001012331.2); short protein forms P788S, P782S, P752S.
Identifiers: ClinVar variation 566985 (VCV000566985.7), dbSNP rs768876280, ClinGen allele CA1169642.